The following is an entry in ClinVar:

ClinVar aggregate classification (germline): Uncertain significance (1 of 4 stars; one submission).

Conditions:
Hereditary pulmonary alveolar proteinosis. Also called: Pulmonary surfactant metabolism dysfunction. Identifiers: Orphanet 264675, MedGen C3711368, MONDO:0012580.

Submission:

Ambry Genetics
Classification: Uncertain significance for Hereditary pulmonary alveolar proteinosis. Last evaluated: 2024-03-04. Review status: criteria provided, single submitter. Criteria: Ambry Variant Classification Scheme 2023. Collection method: clinical testing. Allele origin: germline.
Comment: The p.C1577G variant (also known as c.4729T>G), located in coding exon 28 of the ABCA3 gene, results from a T to G substitution at nucleotide position 4729. The cysteine at codon 1577 is replaced by glycine, an amino acid with highly dissimilar properties. This amino acid position is conserved. In addition, this alteration is predicted to be deleterious by in silico analysis. Based on the available evidence, the clinical significance of this alteration remains unclear.

NM_001089.3(ABCA3):c.4729T>G (p.Cys1577Gly)

Gene: ABCA3 (ATP binding cassette subfamily A member 3; minus strand). Cytogenetic location: 16p13.3.
Variant type: single nucleotide variant.
Coding change: c.4729T>G on transcript NM_001089.3 (MANE Select); coding-DNA position 4729, T replaced by G.
Protein change: p.Cys1577Gly; replaces cysteine 1577 with glycine.
Molecular consequence: missense variant.
Genome position (GRCh38, 1-based): chr16:2,278,059, A>C on the plus strand (T>G on the coding strand, the complement: ABCA3 is on the minus strand). VCF-style: chr16-2278059-A-C. GRCh37 (hg19) VCF-style: chr16-2328060-A-C.
Other names: short protein forms C1577G.
Identifiers: ClinVar variation 3232701 (VCV003232701.1), dbSNP rs2505611768, ClinGen allele CA394305264.